The following is an entry in ClinVar:

ClinVar aggregate classification (germline): Uncertain significance (1 of 4 stars; one submission).

Conditions:
Cardiovascular phenotype. Identifiers: MedGen CN230736.
Hereditary cancer-predisposing syndrome. Also called: Hereditary Cancer Syndrome; Hereditary neoplastic syndrome; Neoplastic Syndromes, Hereditary; Tumor predisposition. Identifiers: Orphanet 140162, MedGen C0027672, MeSH D009386, MONDO:0015356.

Allele frequency attached by ClinVar (database versions not stated): gnomAD exomes below 0.00001.

Submission:

Ambry Genetics
Classification: Uncertain significance for Cardiovascular phenotype; Hereditary cancer-predisposing syndrome. Last evaluated: 2022-01-05. Review status: criteria provided, single submitter. Criteria: Ambry Variant Classification Scheme 2023. Collection method: clinical testing. Allele origin: germline.
Comment: The p.E49A variant (also known as c.146A>C), located in coding exon 1 of the LZTR1 gene, results from an A to C substitution at nucleotide position 146. The glutamic acid at codon 49 is replaced by alanine, an amino acid with dissimilar properties. This amino acid position is conserved. In addition, the in silico prediction for this alteration is inconclusive. Since supporting evidence is limited at this time, the clinical significance of this alteration remains unclear.

NM_006767.4(LZTR1):c.146A>C (p.Glu49Ala)

Gene: LZTR1 (leucine zipper like post translational regulator 1; plus strand). Cytogenetic location: 22q11.21.
Variant type: single nucleotide variant.
Coding change: c.146A>C on transcript NM_006767.4 (MANE Select); coding-DNA position 146, A replaced by C.
Protein change: p.Glu49Ala; replaces glutamic acid 49 with alanine.
Molecular consequence: missense variant.
Genome position (GRCh38, 1-based): chr22:20,982,517, A>C. VCF-style: chr22-20982517-A-C. GRCh37 (hg19) VCF-style: chr22-21336806-A-C.
Other names: short protein forms E49A.
Identifiers: ClinVar variation 1773316 (VCV001773316.2), dbSNP rs2518607903, ClinGen allele CA410777937.